The following is an entry in ClinVar:

ClinVar aggregate classification (germline): Conflicting classifications of pathogenicity. Review status: criteria provided, conflicting classifications (1 of 4 stars). 4 submissions from 4 submitters: Uncertain significance (1); Likely benign (2). 1 of the submissions does not count toward it. Last evaluated 2025-10-23.

Conditions:
ABCC6-related disorder. Also called: ABCC6-related condition.

Allele frequency attached by ClinVar (database versions not stated): gnomAD exomes 0.00011 and 0.00019; gnomAD 0.00014 and 0.00015; TOPMed 0.00015; ExAC 0.00020; ESP Exome Variant Server 0.00023.
gnomAD v4.1: 202 of 1,610,230 alleles (0.013%); highest among the groups gnomAD compares: Non-Finnish European, 0.0062%; no homozygotes.

Submissions (4):

Labcorp Genetics (formerly Invitae), Labcorp
Classification: Likely benign. Last evaluated: 2025-10-23. Review status: criteria provided, single submitter. Criteria: Invitae Variant Classification Sherloc (09022015). Collection method: clinical testing. Allele origin: germline.

CeGaT Center for Human Genetics Tuebingen
Classification: Uncertain significance. Last evaluated: 2025-02-01. Review status: criteria provided, single submitter. Criteria: CeGaT Center For Human Genetics Tuebingen Variant Classification Criteria Version 2. Collection method: clinical testing. Allele origin: germline. Affected: yes. Observed: 2 variant alleles.
Comment: ABCC6: PM2, BP4

Blueprint Genetics
Classification: Likely benign. Last evaluated: 2024-08-19. Review status: criteria provided, single submitter. Criteria: ACMG Guidelines, 2015. Collection method: clinical testing. Allele origin: germline.

PreventionGenetics, part of Exact Sciences
Classification: Likely benign for ABCC6-related condition. Last evaluated: 2024-09-16. Review status: no assertion criteria provided. Collection method: clinical testing. Allele origin: germline. Not counted in ClinVar's aggregate classification.
Comment: This variant is classified as likely benign based on ACMG/AMP sequence variant interpretation guidelines (Richards et al. 2015 PMID: 25741868, with internal and published modifications).

NM_001171.6(ABCC6):c.2995+6C>T

Gene: ABCC6 (ATP binding cassette subfamily C member 6; minus strand). Cytogenetic location: 16p13.11.
Variant type: single nucleotide variant.
Coding change: c.2995+6C>T on transcript NM_001171.6 (MANE Select); 6 bases into the intron after coding-DNA position 2995, C replaced by T.
Molecular consequence: intron variant.
Genome position (GRCh38, 1-based): chr16:16,169,640, G>A on the plus strand (C>T on the coding strand, the complement: ABCC6 is on the minus strand). VCF-style: chr16-16169640-G-A. GRCh37 (hg19) VCF-style: chr16-16263497-G-A.
Other names: c.2653+6C>T (NM_001351800.1).
Identifiers: ClinVar variation 739990 (VCV000739990.32), dbSNP rs373896559, ClinGen allele CA7925723.